The following is an entry in ClinVar:

NM_001330288.2(SMARCC2):c.99G>A (p.Lys33=)

Genes: SMARCC2 (SWI/SNF related BAF chromatin remodeling complex subunit C2; minus strand), LOC130008058 (ATAC-STARR-seq lymphoblastoid silent region 4548; plus strand). Cytogenetic location: 12q13.2.
Variant type: single nucleotide variant.
Coding change: c.99G>A on transcript NM_001330288.2 (MANE Select); coding-DNA position 99, G replaced by A.
Protein change: p.Lys33=; no amino-acid change (lysine 33 retained).
Molecular consequence: synonymous variant.
Genome position (GRCh38, 1-based): chr12:56,189,363, C>T on the plus strand (G>A on the coding strand, the complement: SMARCC2 is on the minus strand). VCF-style: chr12-56189363-C-T. GRCh37 (hg19) VCF-style: chr12-56583147-C-T.
Other names: c.99G>A, p.Lys33= (NM_001130420.3, NM_003075.5, NM_139067.4).
Identifiers: ClinVar variation 3046502 (VCV003046502.2), dbSNP rs780505514, ClinGen allele CA6626513.

ClinVar aggregate classification (germline): Likely benign (0 of 4 stars; one submission).

Conditions:
SMARCC2-related disorder. Also called: SMARCC2-related condition.

Allele frequency attached by ClinVar (database versions not stated): TOPMed below 0.00001; ExAC 0.00001; gnomAD 0.00001; gnomAD exomes 0.00001.
gnomAD v4.1: 10 of 1,528,810 alleles (0.00065%); highest among the groups gnomAD compares: African/African-American, 0.0057%; no homozygotes.

Submission:

PreventionGenetics, part of Exact Sciences
Classification: Likely benign for SMARCC2-related condition. Last evaluated: 2022-04-06. Review status: no assertion criteria provided. Collection method: clinical testing. Allele origin: germline.
Comment: This variant is classified as likely benign based on ACMG/AMP sequence variant interpretation guidelines (Richards et al. 2015 PMID: 25741868, with internal and published modifications).